The following is an entry in ClinVar:

ClinVar aggregate classification (germline): Uncertain significance (1 of 4 stars; one submission).

Submission:

Labcorp Genetics (formerly Invitae), Labcorp
Classification: Uncertain significance. Last evaluated: 2022-02-24. Review status: criteria provided, single submitter. Criteria: Invitae Variant Classification Sherloc (09022015). Collection method: clinical testing. Allele origin: germline.
Comment: This variant has not been reported in the literature in individuals affected with RGS9BP-related conditions. This variant is not present in population databases (gnomAD no frequency). This sequence change replaces valine, which is neutral and non-polar, with leucine, which is neutral and non-polar, at codon 197 of the RGS9BP protein (p.Val197Leu). ClinVar contains an entry for this variant (Variation ID: 1020690). In summary, the available evidence is currently insufficient to determine the role of this variant in disease. Therefore, it has been classified as a Variant of Uncertain Significance. Algorithms developed to predict the effect of missense changes on protein structure and function output the following: SIFT: "Tolerated"; PolyPhen-2: "Benign"; Align-GVGD: "Class C0". The leucine amino acid residue is found in multiple mammalian species, which suggests that this missense change does not adversely affect protein function.

NM_207391.3(RGS9BP):c.589G>T (p.Val197Leu)

Gene: RGS9BP (regulator of G protein signaling 9 binding protein; plus strand). Cytogenetic location: 19q13.11.
Variant type: single nucleotide variant.
Coding change: c.589G>T on transcript NM_207391.3 (MANE Select); coding-DNA position 589, G replaced by T.
Protein change: p.Val197Leu; replaces valine 197 with leucine.
Molecular consequence: missense variant.
Genome position (GRCh38, 1-based): chr19:32,676,852, G>T. VCF-style: chr19-32676852-G-T. GRCh37 (hg19) VCF-style: chr19-33167758-G-T.
Other names: short protein forms V197L.
Identifiers: ClinVar variation 1020690 (VCV001020690.8), dbSNP rs756220101, ClinGen allele CA405187277.